The following is an entry in ClinVar:

ClinVar aggregate classification (germline): Uncertain significance. Review status: criteria provided, multiple submitters, no conflicts (2 of 4 stars). 6 submissions from 6 submitters: Uncertain significance (5). 1 of the submissions does not count toward it. Last evaluated 2025-09-18.

Conditions:
Hereditary cancer-predisposing syndrome. Also called: Hereditary Cancer Syndrome; Neoplastic Syndromes, Hereditary; Tumor predisposition; Hereditary neoplastic syndrome. Identifiers: Orphanet 140162, MedGen C0027672, MeSH D009386, MONDO:0015356.
Ataxia-telangiectasia syndrome (AT). Also called: Ataxia telangiectasia (A-T); Ataxia-telangiectasia, complementation group E; LOUIS-BAR SYNDROME; Cerebello-oculocutaneous telangiectasia; Immunodeficiency with ataxia telangiectasia; Ataxia-telangiectasia, complementation group D. Identifiers: Orphanet 100, MedGen C0004135, MONDO:0008840, OMIM 208900.
Familial cancer of breast. Also called: Hereditary breast cancer; hereditary breast carcinoma; BREAST CANCER, FAMILIAL. Identifiers: Orphanet 227535, MedGen C0346153, MONDO:0016419, OMIM 114480. Disease mechanism: loss of function.

gnomAD v4.1: 1 of 1,614,076 alleles (0.000062%); highest among the groups gnomAD compares: Non-Finnish European, 0.000085%; no homozygotes.

Submissions (6):

Ambry Genetics
Classification: Uncertain significance for Hereditary cancer-predisposing syndrome. Last evaluated: 2025-09-18. Review status: criteria provided, single submitter. Criteria: Ambry Variant Classification Scheme 2023. Collection method: clinical testing. Allele origin: germline.
Comment: The p.N1650T variant (also known as c.4949A>C), located in coding exon 32 of the ATM gene, results from an A to C substitution at nucleotide position 4949. The asparagine at codon 1650 is replaced by threonine, an amino acid with similar properties. This amino acid position is poorly conserved in available vertebrate species. In addition, this alteration is predicted to be tolerated by in silico analysis. Since supporting evidence is limited at this time, the clinical significance of this alteration remains unclear.

Labcorp Genetics (formerly Invitae), Labcorp
Classification: Uncertain significance for Ataxia-telangiectasia syndrome. Last evaluated: 2025-03-26. Review status: criteria provided, single submitter. Criteria: Invitae Variant Classification Sherloc (09022015). Collection method: clinical testing. Allele origin: germline.
Comment: This sequence change replaces asparagine, which is neutral and polar, with threonine, which is neutral and polar, at codon 1650 of the ATM protein (p.Asn1650Thr). This variant is not present in population databases (gnomAD no frequency). This variant has not been reported in the literature in individuals affected with ATM-related conditions. ClinVar contains an entry for this variant (Variation ID: 230738). Invitae Evidence Modeling of protein sequence and biophysical properties (such as structural, functional, and spatial information, amino acid conservation, physicochemical variation, residue mobility, and thermodynamic stability) indicates that this missense variant is not expected to disrupt ATM protein function with a negative predictive value of 95%. In summary, the available evidence is currently insufficient to determine the role of this variant in disease. Therefore, it has been classified as a Variant of Uncertain Significance.

Women's Health and Genetics/Laboratory Corporation of America, LabCorp
Classification: Uncertain significance. Last evaluated: 2024-12-20. Review status: criteria provided, single submitter. Criteria: LabCorp Variant Classification Summary - May 2015. Collection method: clinical testing. Allele origin: germline.

Baylor Genetics
Classification: Uncertain significance for Familial cancer of breast. Last evaluated: 2024-03-28. Review status: criteria provided, single submitter. Criteria: ACMG Guidelines, 2015. Collection method: clinical testing. Allele origin: unknown.

Color Diagnostics, LLC DBA Color Health
Classification: Uncertain significance for Hereditary cancer-predisposing syndrome. Last evaluated: 2018-09-11. Review status: criteria provided, single submitter. Criteria: ACMG Guidelines, 2015. Collection method: clinical testing. Allele origin: germline.

Natera, Inc.
Classification: Uncertain significance for Ataxia-telangiectasia. Last evaluated: 2020-10-08. Review status: no assertion criteria provided. Collection method: clinical testing. Allele origin: germline. Not counted in ClinVar's aggregate classification.

NM_000051.4(ATM):c.4949A>C (p.Asn1650Thr)

Gene: ATM (ATM serine/threonine kinase; plus strand). Cytogenetic location: 11q22.3.
Variant type: single nucleotide variant.
Coding change: c.4949A>C on transcript NM_000051.4 (MANE Select); coding-DNA position 4949, A replaced by C.
Protein change: p.Asn1650Thr; replaces asparagine 1650 with threonine.
Molecular consequence: missense variant.
Genome position (GRCh38, 1-based): chr11:108,297,326, A>C. VCF-style: chr11-108297326-A-C. GRCh37 (hg19) VCF-style: chr11-108168053-A-C.
Other names: c.4949A>C, p.Asn1650Thr (NM_001351834.2); short protein forms N1650T.
Identifiers: ClinVar variation 230738 (VCV000230738.24), dbSNP rs55870064, ClinGen allele CA10579168.